The following is an entry in ClinVar:

ClinVar aggregate classification (germline): Uncertain significance (1 of 4 stars; one submission).

gnomAD v4.1: 1 of 1,613,916 alleles (0.000062%); highest among the groups gnomAD compares: Non-Finnish European, 0.000085%; no homozygotes.

Submission:

GeneDx
Classification: Uncertain significance. Last evaluated: 2024-12-27. Review status: criteria provided, single submitter. Criteria: GeneDx Variant Classification Process June 2021. Collection method: clinical testing. Allele origin: germline. Affected: yes.
Comment: Not observed at significant frequency in large population cohorts (gnomAD); In silico analysis supports that this missense variant has a deleterious effect on protein structure/function; Has not been previously published as pathogenic or benign to our knowledge

NM_016239.4(MYO15A):c.4698G>C (p.Trp1566Cys)

Gene: MYO15A (myosin XVA; plus strand). Cytogenetic location: 17p11.2.
Variant type: single nucleotide variant.
Coding change: c.4698G>C on transcript NM_016239.4 (MANE Select); coding-DNA position 4698, G replaced by C.
Protein change: p.Trp1566Cys; replaces tryptophan 1566 with cysteine.
Molecular consequence: missense variant.
Genome position (GRCh38, 1-based): chr17:18,136,605, G>C. VCF-style: chr17-18136605-G-C. GRCh37 (hg19) VCF-style: chr17-18039919-G-C.
Other names: short protein forms W1566C.
Identifiers: ClinVar variation 3907935 (VCV003907935.1).